The following is an entry in ClinVar:

ClinVar aggregate classification (germline): Uncertain significance. Review status: criteria provided, multiple submitters, no conflicts (2 of 4 stars). 2 submissions from 2 submitters: Uncertain significance (2). Last evaluated 2026-05-11.

Conditions:
Inborn genetic diseases. Identifiers: MedGen C0950123, MeSH D030342.

Allele frequency attached by ClinVar (database versions not stated): TOPMed 0.00001.

Submissions (2):

Ambry Genetics
Classification: Uncertain significance for Inborn genetic diseases. Last evaluated: 2026-05-11. Review status: criteria provided, single submitter. Criteria: Ambry Variant Classification Scheme 2023. Collection method: clinical testing. Allele origin: germline.
Comment: The c.1105G>A (p.E369K) alteration is located in exon 4 (coding exon 4) of the BCL11B gene. This alteration results from a G to A substitution at nucleotide position 1105, causing the glutamic acid (E) at amino acid position 369 to be replaced by a lysine (K). Based on data from gnomAD, the A allele has an overall frequency of 0.001% (1/96340) total alleles studied. The highest observed frequency was 0.007% (1/14216) of Latino alleles. Based on insufficient or conflicting evidence, the clinical significance of this alteration remains unclear.

Labcorp Genetics (formerly Invitae), Labcorp
Classification: Uncertain significance. Last evaluated: 2025-04-28. Review status: criteria provided, single submitter. Criteria: Invitae Variant Classification Sherloc (09022015). Collection method: clinical testing. Allele origin: germline.
Comment: This sequence change replaces glutamic acid, which is acidic and polar, with lysine, which is basic and polar, at codon 369 of the BCL11B protein (p.Glu369Lys). This variant is not present in population databases (gnomAD no frequency). This variant has not been reported in the literature in individuals affected with BCL11B-related conditions. ClinVar contains an entry for this variant (Variation ID: 3133381). Invitae Evidence Modeling of protein sequence and biophysical properties (such as structural, functional, and spatial information, amino acid conservation, physicochemical variation, residue mobility, and thermodynamic stability) has been performed for this missense variant. However, the output from this modeling did not meet the statistical confidence thresholds required to predict the impact of this variant on BCL11B protein function. In summary, the available evidence is currently insufficient to determine the role of this variant in disease. Therefore, it has been classified as a Variant of Uncertain Significance.

NM_138576.4(BCL11B):c.1105G>A (p.Glu369Lys)

Gene: BCL11B (BCL11 transcription factor B; minus strand). Cytogenetic location: 14q32.2.
Variant type: single nucleotide variant.
Coding change: c.1105G>A on transcript NM_138576.4 (MANE Select); coding-DNA position 1105, G replaced by A.
Protein change: p.Glu369Lys; replaces glutamic acid 369 with lysine.
Molecular consequence: missense variant.
Genome position (GRCh38, 1-based): chr14:99,175,731, C>T on the plus strand (G>A on the coding strand, the complement: BCL11B is on the minus strand). VCF-style: chr14-99175731-C-T. GRCh37 (hg19) VCF-style: chr14-99642068-C-T.
Other names: c.1102G>A, p.Glu368Lys (NM_001282237.2); c.889G>A, p.Glu297Lys (NM_001282238.2); c.892G>A, p.Glu298Lys (NM_022898.3); short protein forms E297K, E368K, E298K, E369K.
Identifiers: ClinVar variation 3133381 (VCV003133381.3), dbSNP rs1196405993, ClinGen allele CA390936099.